The following is an entry in ClinVar:

NM_000179.3(MSH6):c.3439-8A>G

Gene: MSH6 (mutS homolog 6; plus strand). Cytogenetic location: 2p16.3.
Variant type: single nucleotide variant.
Coding change: c.3439-8A>G on transcript NM_000179.3 (MANE Select); 8 bases into the intron before coding-DNA position 3439, A replaced by G.
Molecular consequence: intron variant.
Genome position (GRCh38, 1-based): chr2:47,804,902, A>G. VCF-style: chr2-47804902-A-G. GRCh37 (hg19) VCF-style: chr2-48032041-A-G.
Other names: c.2533-8A>G (NM_001281493.2, NM_001281494.2); c.3049-8A>G (NM_001281492.2).
Identifiers: ClinVar variation 215652 (VCV000215652.18), dbSNP rs863224332, ClinGen allele CA337518.
Genomic context (GRCh38, chr2:47,804,902, plus strand): 5'-AAGAAAGACAAAAGTTTATGAAACTGTTACTACCAGTCATAAAAGACCTTTTCCTCCCTC[A>G]TTCACAGGCTGGCTTATTAGCTGTAATGGCCCAGATGGGTTGTTACGTCCCTGCTGAAGT-3'

ClinVar aggregate classification (germline): Likely benign. Review status: criteria provided, multiple submitters, no conflicts (2 of 4 stars). 5 submissions from 5 submitters: Likely benign (5). Last evaluated 2025-11-05.

Conditions:
Hereditary nonpolyposis colorectal neoplasms. Identifiers: MedGen C0009405, MeSH D003123.
Hereditary cancer-predisposing syndrome. Also called: Hereditary neoplastic syndrome; Neoplastic Syndromes, Hereditary; Tumor predisposition; Hereditary Cancer Syndrome. Identifiers: Orphanet 140162, MedGen C0027672, MeSH D009386, MONDO:0015356.
Lynch syndrome. Identifiers: Orphanet 144, MedGen C4552100, MONDO:0005835. Disease mechanism: loss of function.
Lynch syndrome 5 (LYNCH5). Also called: Colorectal cancer, hereditary nonpolyposis, type 5; Hereditary non-polyposis colorectal cancer, type 5. Identifiers: Orphanet 144, MedGen C1833477, MONDO:0013710, OMIM 614350. Disease mechanism: loss of function.

Allele frequency attached by ClinVar (database versions not stated): gnomAD exomes below 0.00001.

Submissions (5):

Labcorp Genetics (formerly Invitae), Labcorp
Classification: Likely benign for Hereditary nonpolyposis colorectal neoplasms. Last evaluated: 2025-11-05. Review status: criteria provided, single submitter. Criteria: Invitae Variant Classification Sherloc (09022015). Collection method: clinical testing. Allele origin: germline.

Center for Genomic Medicine, Rigshospitalet, Copenhagen University Hospital
Classification: Likely benign. Last evaluated: 2025-03-04. Review status: criteria provided, single submitter. Criteria: ACMG Guidelines, 2015. Collection method: clinical testing. Allele origin: germline.

Myriad Genetics, Inc.
Classification: Likely benign for Lynch syndrome 5. Last evaluated: 2025-01-07. Review status: criteria provided, single submitter. Criteria: Myriad Autosomal Dominant, Autosomal Recessive and X-Linked Classification Criteria (2023). Collection method: clinical testing. Allele origin: unknown.
Comment: This variant is considered likely benign. This variant is intronic and is not expected to impact mRNA splicing.

All of Us Research Program, National Institutes of Health
Classification: Likely benign for Lynch syndrome. Last evaluated: 2023-02-24. Review status: criteria provided, single submitter. Criteria: ACMG Guidelines, 2015. Collection method: clinical testing. Allele origin: germline. Inheritance: Autosomal dominant inheritance. Observed: 1 variant allele, 1 heterozygote.
Comment: This study involves interpretation of variants in research participants for the purpose of population health screening. Participant phenotype was not available at the time of variant classification. Additional details can be found in publication PMID: 35346344, PMCID: PMC8962531

Color Diagnostics, LLC DBA Color Health
Classification: Likely benign for Hereditary cancer-predisposing syndrome. Last evaluated: 2018-11-06. Review status: criteria provided, single submitter. Criteria: ACMG Guidelines, 2015. Collection method: clinical testing. Allele origin: germline.